The following is an entry in ClinVar:

ClinVar aggregate classification (germline): Uncertain significance (1 of 4 stars; one submission).

Allele frequency attached by ClinVar (database versions not stated): TOPMed 0.00003; gnomAD 0.00004; gnomAD exomes 0.00007; 1000 Genomes Project 30x 0.00016; 1000 Genomes Project 0.00020.
gnomAD v4.1: 71 of 1,093,324 alleles (0.0065%); highest among the groups gnomAD compares: Non-Finnish European, 0.0078%; no homozygotes.

Submission:

Labcorp Genetics (formerly Invitae), Labcorp
Classification: Uncertain significance. Last evaluated: 2022-05-15. Review status: criteria provided, single submitter. Criteria: Invitae Variant Classification Sherloc (09022015). Collection method: clinical testing. Allele origin: germline.
Comment: This sequence change replaces alanine, which is neutral and non-polar, with threonine, which is neutral and polar, at codon 12 of the HSPG2 protein (p.Ala12Thr). The frequency data for this variant in the population databases is considered unreliable, as metrics indicate poor data quality at this position in the gnomAD database. This variant has not been reported in the literature in individuals affected with HSPG2-related conditions. Algorithms developed to predict the effect of missense changes on protein structure and function are either unavailable or do not agree on the potential impact of this missense change (SIFT: "Tolerated"; PolyPhen-2: "Possibly Damaging"; Align-GVGD: "Class C0"). In summary, the available evidence is currently insufficient to determine the role of this variant in disease. Therefore, it has been classified as a Variant of Uncertain Significance.

NM_005529.7(HSPG2):c.34G>A (p.Ala12Thr)

Gene: HSPG2 (heparan sulfate proteoglycan 2; minus strand). Cytogenetic location: 1p36.12.
Variant type: single nucleotide variant.
Coding change: c.34G>A on transcript NM_005529.7 (MANE Select); coding-DNA position 34, G replaced by A.
Protein change: p.Ala12Thr; replaces alanine 12 with threonine.
Molecular consequence: missense variant.
Genome position (GRCh38, 1-based): chr1:21,937,184, C>T on the plus strand (G>A on the coding strand, the complement: HSPG2 is on the minus strand). VCF-style: chr1-21937184-C-T. GRCh37 (hg19) VCF-style: chr1-22263677-C-T.
Other names: c.34G>A, p.Ala12Thr (NM_001291860.2); short protein forms A12T.
Identifiers: ClinVar variation 1986542 (VCV001986542.1), dbSNP rs529434165, ClinGen allele CA19121361.